The following is an entry in ClinVar:

ClinVar aggregate classification (germline): Uncertain significance (1 of 4 stars; one submission).

Submission:

Labcorp Genetics (formerly Invitae), Labcorp
Classification: Uncertain significance. Last evaluated: 2022-05-04. Review status: criteria provided, single submitter. Criteria: Invitae Variant Classification Sherloc (09022015). Collection method: clinical testing. Allele origin: germline.
Comment: This sequence change replaces serine, which is neutral and polar, with cysteine, which is neutral and slightly polar, at codon 172 of the PUS1 protein (p.Ser172Cys). This variant is not present in population databases (gnomAD no frequency). This variant has not been reported in the literature in individuals affected with PUS1-related conditions. Algorithms developed to predict the effect of missense changes on protein structure and function are either unavailable or do not agree on the potential impact of this missense change (SIFT: "Deleterious"; PolyPhen-2: "Probably Damaging"; Align-GVGD: "Class C15"). In summary, the available evidence is currently insufficient to determine the role of this variant in disease. Therefore, it has been classified as a Variant of Uncertain Significance.

NM_025215.6(PUS1):c.514A>T (p.Ser172Cys)

Gene: PUS1 (pseudouridine synthase 1; plus strand). Cytogenetic location: 12q24.33.
Variant type: single nucleotide variant.
Coding change: c.514A>T on transcript NM_025215.6 (MANE Select); coding-DNA position 514, A replaced by T.
Protein change: p.Ser172Cys; replaces serine 172 with cysteine.
Molecular consequence: missense variant.
Genome position (GRCh38, 1-based): chr12:131,939,245, A>T. VCF-style: chr12-131939245-A-T. GRCh37 (hg19) VCF-style: chr12-132423790-A-T.
Other names: c.430A>T, p.Ser144Cys (NM_001002019.3, NM_001002020.3); short protein forms S172C, S144C.
Identifiers: ClinVar variation 2177354 (VCV002177354.1), dbSNP rs1161096087, ClinGen allele CA387298589.